The following is an entry in ClinVar:

NM_139265.3(EHD4):c.*803_*33733dup

Genes: EHD4 (EH domain containing 4; minus strand), SPTBN5 (spectrin beta, non-erythrocytic 5; minus strand), LOC105370792 (uncharacterized LOC105370792; plus strand), LOC130056904 (ATAC-STARR-seq lymphoblastoid active region 9287; plus strand). Cytogenetic location: 15q15.1.
Variant type: Duplication.
Coding change: c.*803_*33733dup on transcript NM_139265.3; 803 bases downstream of the stop codon through 33733 bases downstream of the stop codon, this stretch duplicated.
Identifiers: ClinVar variation 157345 (VCV000157345.2).

ClinVar aggregate classification (germline): not provided (0 of 4 stars; one submission).

Conditions:
Preeclampsia. Identifiers: Orphanet 275555, MedGen C0032914, MONDO:0005081, HP:0100602.

Submission:

Institute of Molecular and Cell Biology, University of Tartu
No classification provided. Condition: Preeclampsia. Review status: no classification provided. Collection method: case-control. Allele origin: unknown. Affected: yes. Study: Kasak2014.
Comment: The study aimed to determine the contribution of copy number variants in the genetic etiology of normal and complicated pregnancies. The samples represented (i) maternal blood DNA drawn from healthy pregnant women during 1st or 2nd trimester and (ii) maternal and paternal blood DNA drawn at term pregnancy cases representing normal and complicated gestations (severe preeclampsia, PE; gestational diabetes, GD; small-for-gestational age newborn, SGA; large-for-gestational age newborn, LGA). We performed CNV calling based on genome-wide genotyping dataset (Illumina HumanOmniExpress-24-v1 BeadChip) by applying three algorithms, QuantiSNP, GADA (Genome Alteration Detection Algorithm) and CNstream in parallel. The acquired CNV calls were merged with HD-CNV (Hotspot Detector for Copy Number Variants) program and only the CNVs predicted by at least two programs, were considered in subsequent analysis.

Literature cited by the submitters: PubMed 25666259.